The following is an entry in ClinVar:

NM_001923.5(DDB1):c.496G>A (p.Asp166Asn)

Gene: DDB1 (damage specific DNA binding protein 1; minus strand). Cytogenetic location: 11q12.2.
Variant type: single nucleotide variant.
Coding change: c.496G>A on transcript NM_001923.5 (MANE Select); coding-DNA position 496, G replaced by A.
Protein change: p.Asp166Asn; replaces aspartic acid 166 with asparagine.
Molecular consequence: missense variant.
Genome position (GRCh38, 1-based): chr11:61,329,416, C>T on the plus strand (G>A on the coding strand, the complement: DDB1 is on the minus strand). VCF-style: chr11-61329416-C-T. GRCh37 (hg19) VCF-style: chr11-61096888-C-T.
Other names: short protein forms D166N.
Identifiers: ClinVar variation 3253566 (VCV003253566.1), dbSNP rs2539690367.

ClinVar aggregate classification (germline): Uncertain significance (1 of 4 stars; one submission).

Submission:

GeneDx
Classification: Uncertain significance. Last evaluated: 2024-06-21. Review status: criteria provided, single submitter. Criteria: GeneDx Variant Classification Process June 2021. Collection method: clinical testing. Allele origin: germline. Affected: yes.
Comment: Not observed at significant frequency in large population cohorts (gnomAD); In silico analysis supports that this missense variant has a deleterious effect on protein structure/function; Has not been previously published as pathogenic or benign to our knowledge